The following is an entry in ClinVar:

NM_006158.5(NEFL):c.832del (p.Glu278fs)

Gene: NEFL (neurofilament light chain; minus strand). Cytogenetic location: 8p21.2.
Variant type: Deletion.
Coding change: c.832del on transcript NM_006158.5 (MANE Select); coding-DNA position 832, one base deleted (G; older notation c.832delG).
Protein change: p.Glu278fs; shifts the reading frame from glutamic acid 278.
Molecular consequence: frameshift variant.
Genome position (GRCh38, 1-based): chr8:24,955,684, C deleted on the plus strand (G on the coding strand, the reverse complement: NEFL is on the minus strand); the first of 2 consecutive C bases (chr8:24,955,684-24,955,685); deleting either gives the same sequence. VCF-style (leftmost placement, unchanged base first): chr8-24955683-TC-T. GRCh37 (hg19) VCF-style: chr8-24813197-TC-T.
Other names: short protein forms E278fs.
Identifiers: ClinVar variation 1973539 (VCV001973539.5), dbSNP rs2486886183, ClinGen allele CA2580078083.

ClinVar aggregate classification (germline): Pathogenic (1 of 4 stars; one submission).

Conditions:
Charcot-Marie-Tooth disease type 2E (CMT2E). Also called: CHARCOT-MARIE-TOOTH DISEASE, AXONAL, TYPE 2E; CHARCOT-MARIE-TOOTH NEUROPATHY, TYPE 2E. Identifiers: Orphanet 99939, MedGen C1843225, MONDO:0011894, OMIM 607684.

Submission:

Labcorp Genetics (formerly Invitae), Labcorp
Classification: Pathogenic for Charcot-Marie-Tooth disease type 2E. Last evaluated: 2022-04-15. Review status: criteria provided, single submitter. Criteria: Invitae Variant Classification Sherloc (09022015). Collection method: clinical testing. Allele origin: germline.
Comment: For these reasons, this variant has been classified as Pathogenic. This variant has not been reported in the literature in individuals affected with NEFL-related conditions. This variant is not present in population databases (gnomAD no frequency). This sequence change creates a premature translational stop signal (p.Glu278Asnfs*10) in the NEFL gene. It is expected to result in an absent or disrupted protein product. Loss-of-function variants in NEFL are known to be pathogenic (PMID: 19158810, 20039262).

Literature cited by the submitters: PubMed 19158810; PubMed 20039262.